The following is an entry in ClinVar:

ClinVar aggregate classification (germline): Pathogenic (1 of 4 stars; one submission).

Conditions:
Marinesco-Sjögren syndrome (MSS). Also called: Marinesco-SjÃ¶gren syndrome; Marinesco-Sjogren Syndrome. Identifiers: Orphanet 559, MedGen C0024814, MONDO:0009567, OMIM 248800.

Submission:

Labcorp Genetics (formerly Invitae), Labcorp
Classification: Pathogenic for Marinesco-Sjögren syndrome. Last evaluated: 2022-01-26. Review status: criteria provided, single submitter. Criteria: Invitae Variant Classification Sherloc (09022015). Collection method: clinical testing. Allele origin: germline.
Comment: For these reasons, this variant has been classified as Pathogenic. This premature translational stop signal has been observed in individual(s) with Marinesco-Sjogren syndrome (PMID: 24176978, 24755310). The frequency data for this variant in the population databases is considered unreliable, as metrics indicate poor data quality at this position in the gnomAD database. This sequence change creates a premature translational stop signal (p.Leu313Cysfs*4) in the SIL1 gene. It is expected to result in an absent or disrupted protein product. Loss-of-function variants in SIL1 are known to be pathogenic (PMID: 16282977, 24176978).

Literature cited by the submitters: PubMed 24176978; PubMed 24755310; PubMed 16282977.

NM_022464.5(SIL1):c.936del (p.Leu313fs)

Gene: SIL1 (SIL1 nucleotide exchange factor; minus strand). Cytogenetic location: 5q31.2.
Variant type: Deletion.
Coding change: c.936del on transcript NM_022464.5 (MANE Select); coding-DNA position 936, one base deleted (G; older notation c.936delG).
Protein change: p.Leu313fs; shifts the reading frame from leucine 313.
Molecular consequence: frameshift variant.
Genome position (GRCh38, 1-based): chr5:138,951,264, C deleted on the plus strand (G on the coding strand, the reverse complement: SIL1 is on the minus strand); the first of 6 consecutive C bases (chr5:138,951,264-138,951,269); deleting any one gives the same sequence. VCF-style (leftmost placement, unchanged base first): chr5-138951263-GC-G. GRCh37 (hg19) VCF-style: chr5-138286952-GC-G.
Other names: c.936del, p.Leu313fs (NM_001037633.2); short protein forms L313fs.
Identifiers: ClinVar variation 2054736 (VCV002054736.4), dbSNP rs587776544, ClinGen allele CA563498298.